The following is an entry in ClinVar:

ClinVar aggregate classification (germline): Uncertain significance. Review status: criteria provided, multiple submitters, no conflicts (2 of 4 stars). 2 submissions from 2 submitters: Uncertain significance (2). Last evaluated 2025-12-16.

Conditions:
Bethlem myopathy 2 (BTHLM2). Identifiers: Orphanet 536516, Orphanet 610, MedGen C4225313, MONDO:0034022, OMIM 616471.
Ullrich congenital muscular dystrophy 2 (UCMD2). Identifiers: Orphanet 75840, MedGen C4225314, MONDO:0014654, OMIM 616470.

Allele frequency attached by ClinVar (database versions not stated): gnomAD exomes below 0.00001; ExAC 0.00001.
gnomAD v4.1: 1 of 1,613,070 alleles (0.000062%); highest among the groups gnomAD compares: Admixed American, 0.0017%; no homozygotes.

Submissions (2):

Labcorp Genetics (formerly Invitae), Labcorp
Classification: Uncertain significance for Bethlem myopathy 2; Ullrich congenital muscular dystrophy 2. Last evaluated: 2025-12-16. Review status: criteria provided, single submitter. Criteria: Invitae Variant Classification Sherloc (09022015). Collection method: clinical testing. Allele origin: germline.
Comment: This sequence change replaces aspartic acid, which is acidic and polar, with asparagine, which is neutral and polar, at codon 2068 of the COL12A1 protein (p.Asp2068Asn). This variant is present in population databases (rs751691332, gnomAD 0.003%). This variant has not been reported in the literature in individuals affected with COL12A1-related conditions. ClinVar contains an entry for this variant (Variation ID: 1317473). Invitae Evidence Modeling of protein sequence and biophysical properties (such as structural, functional, and spatial information, amino acid conservation, physicochemical variation, residue mobility, and thermodynamic stability) indicates that this missense variant is not expected to disrupt COL12A1 protein function with a negative predictive value of 80%. In summary, the available evidence is currently insufficient to determine the role of this variant in disease. Therefore, it has been classified as a Variant of Uncertain Significance.

GeneDx
Classification: Uncertain significance. Last evaluated: 2021-01-29. Review status: criteria provided, single submitter. Criteria: GeneDx Variant Classification Process June 2021. Collection method: clinical testing. Allele origin: germline. Affected: yes.
Comment: Not observed at a significant frequency in large population cohorts (Lek et al., 2016); In silico analysis supports that this missense variant does not alter protein structure/function; Has not been previously published as pathogenic or benign to our knowledge

NM_004370.6(COL12A1):c.6202G>A (p.Asp2068Asn)

Gene: COL12A1 (collagen type XII alpha 1 chain; minus strand). Cytogenetic location: 6q13.
Variant type: single nucleotide variant.
Coding change: c.6202G>A on transcript NM_004370.6 (MANE Select); coding-DNA position 6202, G replaced by A.
Protein change: p.Asp2068Asn; replaces aspartic acid 2068 with asparagine.
Molecular consequence: missense variant.
Genome position (GRCh38, 1-based): chr6:75,130,099, C>T on the plus strand (G>A on the coding strand, the complement: COL12A1 is on the minus strand). VCF-style: chr6-75130099-C-T. GRCh37 (hg19) VCF-style: chr6-75839815-C-T.
Other names: c.2710G>A, p.Asp904Asn (NM_080645.3); short protein forms D2068N, D904N.
Identifiers: ClinVar variation 1317473 (VCV001317473.3), dbSNP rs751691332, ClinGen allele CA3892873.